The following is an entry in ClinVar:

NM_052947.4(ALPK2):c.3328A>G (p.Lys1110Glu)

Gene: ALPK2 (alpha kinase 2; minus strand). Cytogenetic location: 18q21.31.
Variant type: single nucleotide variant.
Coding change: c.3328A>G on transcript NM_052947.4 (MANE Select); coding-DNA position 3328, A replaced by G.
Protein change: p.Lys1110Glu; replaces lysine 1110 with glutamic acid.
Molecular consequence: missense variant.
Genome position (GRCh38, 1-based): chr18:58,536,859, T>C on the plus strand (A>G on the coding strand, the complement: ALPK2 is on the minus strand). VCF-style: chr18-58536859-T-C. GRCh37 (hg19) VCF-style: chr18-56204091-T-C.
Other names: short protein forms K1110E.
Identifiers: ClinVar variation 1730269 (VCV001730269.3), dbSNP rs2518876586, ClinGen allele CA402568620.

ClinVar aggregate classification (germline): Uncertain significance (1 of 4 stars; one submission).

Allele frequency attached by ClinVar (database versions not stated): gnomAD exomes below 0.00001.
gnomAD v4.1: 5 of 1,614,162 alleles (0.00031%); highest among the groups gnomAD compares: Non-Finnish European, 0.00034%; no homozygotes.

Submission:

Ambry Genetics
Classification: Uncertain significance. Last evaluated: 2024-08-27. Review status: criteria provided, single submitter. Criteria: Ambry Variant Classification Scheme 2023. Collection method: clinical testing. Allele origin: germline.
Comment: The p.K1110E variant (also known as c.3328A>G), located in coding exon 4 of the ALPK2 gene, results from an A to G substitution at nucleotide position 3328. The lysine at codon 1110 is replaced by glutamic acid, an amino acid with similar properties. This amino acid position is conserved. In addition, this alteration is predicted to be tolerated by in silico analysis. Since supporting evidence is limited at this time, the clinical significance of this alteration remains unclear.